The following is an entry in ClinVar:

NM_000361.3(THBD):c.207T>C (p.Asp69=)

Gene: THBD (thrombomodulin; minus strand). Cytogenetic location: 20p11.21.
Variant type: single nucleotide variant.
Coding change: c.207T>C on transcript NM_000361.3 (MANE Select); coding-DNA position 207, T replaced by C.
Protein change: p.Asp69=; no amino-acid change (aspartic acid 69 retained).
Molecular consequence: synonymous variant.
Genome position (GRCh38, 1-based): chr20:23,049,298, A>G on the plus strand (T>C on the coding strand, the complement: THBD is on the minus strand). VCF-style: chr20-23049298-A-G. GRCh37 (hg19) VCF-style: chr20-23029935-A-G.
Identifiers: ClinVar variation 3690676 (VCV003690676.2).

ClinVar aggregate classification (germline): Uncertain significance (1 of 4 stars; one submission).

gnomAD v4.1: 12 of 1,584,662 alleles (0.00076%); highest among the groups gnomAD compares: South Asian, 0.014%; no homozygotes.

Submission:

Labcorp Genetics (formerly Invitae), Labcorp
Classification: Uncertain significance. Last evaluated: 2024-12-04. Review status: criteria provided, single submitter. Criteria: Invitae Variant Classification Sherloc (09022015). Collection method: clinical testing. Allele origin: germline.
Comment: This sequence change affects codon 69 of the THBD mRNA. It is a 'silent' change, meaning that it does not change the encoded amino acid sequence of the THBD protein. This variant is present in population databases (no rsID available, gnomAD 0.008%). This variant has not been reported in the literature in individuals affected with THBD-related conditions. In summary, the available evidence is currently insufficient to determine the role of this variant in disease. Therefore, it has been classified as a Variant of Uncertain Significance.